The following is an entry in ClinVar:

NM_001164508.2(NEB):c.19075G>C (p.Val6359Leu)

Gene: NEB (nebulin; minus strand). Cytogenetic location: 2q23.3.
Variant type: single nucleotide variant.
Coding change: c.19075G>C on transcript NM_001164508.2 (MANE Select); coding-DNA position 19075, G replaced by C.
Protein change: p.Val6359Leu; replaces valine 6359 with leucine.
Molecular consequence: missense variant.
Genome position (GRCh38, 1-based): chr2:151,561,234, C>G on the plus strand (G>C on the coding strand, the complement: NEB is on the minus strand). VCF-style: chr2-151561234-C-G. GRCh37 (hg19) VCF-style: chr2-152417748-C-G.
Other names: c.19075G>C, p.Val6359Leu (NM_001164507.2, NM_001271208.2); c.13972G>C, p.Val4658Leu (NM_004543.5); short protein forms V6359L, V4658L.
Identifiers: ClinVar variation 2189410 (VCV002189410.1), dbSNP rs776470339, ClinGen allele CA1907778.

ClinVar aggregate classification (germline): Uncertain significance (1 of 4 stars; one submission).

Conditions:
Nemaline myopathy 2 (NEM2). Also called: Nemaline myopathy 2, autosomal recessive. Identifiers: MedGen C1850569, MONDO:0009725, OMIM 256030.

Allele frequency attached by ClinVar (database versions not stated): gnomAD exomes below 0.00001; TOPMed below 0.00001; ExAC 0.00001; gnomAD 0.00001.
gnomAD v4.1: 3 of 1,608,410 alleles (0.00019%); highest among the groups gnomAD compares: Non-Finnish European, 0.00025%; no homozygotes.

Submission:

Labcorp Genetics (formerly Invitae), Labcorp
Classification: Uncertain significance for Nemaline myopathy 2. Last evaluated: 2022-02-22. Review status: criteria provided, single submitter. Criteria: Invitae Variant Classification Sherloc (09022015). Collection method: clinical testing. Allele origin: germline.
Comment: This sequence change replaces valine, which is neutral and non-polar, with leucine, which is neutral and non-polar, at codon 6359 of the NEB protein (p.Val6359Leu). This variant is present in population databases (rs776470339, gnomAD 0.0009%). This variant has not been reported in the literature in individuals affected with NEB-related conditions. Algorithms developed to predict the effect of missense changes on protein structure and function output the following: SIFT: "Tolerated"; PolyPhen-2: "Not Available"; Align-GVGD: "Class C0". The leucine amino acid residue is found in multiple mammalian species, which suggests that this missense change does not adversely affect protein function. In summary, the available evidence is currently insufficient to determine the role of this variant in disease. Therefore, it has been classified as a Variant of Uncertain Significance.